The following is an entry in ClinVar:

NM_002439.5(MSH3):c.2831A>G (p.Asn944Ser)

Gene: MSH3 (mutS homolog 3; plus strand). Cytogenetic location: 5q14.1.
Variant type: single nucleotide variant.
Coding change: c.2831A>G on transcript NM_002439.5 (MANE Select); coding-DNA position 2831, A replaced by G.
Protein change: p.Asn944Ser; replaces asparagine 944 with serine.
Molecular consequence: missense variant.
Genome position (GRCh38, 1-based): chr5:80,854,147, A>G. VCF-style: chr5-80854147-A-G. GRCh37 (hg19) VCF-style: chr5-80149966-A-G.
Other names: short protein forms N944S.
Identifiers: ClinVar variation 2736445 (VCV002736445.3), dbSNP rs2478771450, ClinGen allele CA360275490.
Genomic context (GRCh38, chr5:80,854,147, plus strand): 5'-GAAAGTGAAGAGGAAAATCAAGGTGTTTTCATCTTGCTTGTAGGATGGGTGCTGCAGACA[A>G]TATATATAAAGGACAGAGTACATTTATGGAAGAACTGACTGACACAGCAGAAATAATCAG-3'
Protein context (NP_002430.3, residues 934-954): GIFTRMGAAD[Asn944Ser]IYKGQSTFME

ClinVar aggregate classification (germline): Uncertain significance (1 of 4 stars; one submission).

Submission:

Labcorp Genetics (formerly Invitae), Labcorp
Classification: Uncertain significance. Last evaluated: 2023-03-07. Review status: criteria provided, single submitter. Criteria: Invitae Variant Classification Sherloc (09022015). Collection method: clinical testing. Allele origin: germline.
Comment: This sequence change replaces asparagine, which is neutral and polar, with serine, which is neutral and polar, at codon 944 of the MSH3 protein (p.Asn944Ser). This variant is not present in population databases (gnomAD no frequency). This variant has not been reported in the literature in individuals affected with MSH3-related conditions. An algorithm developed to predict the effect of missense changes on protein structure and function (PolyPhen-2) suggests that this variant is likely to be tolerated. In summary, the available evidence is currently insufficient to determine the role of this variant in disease. Therefore, it has been classified as a Variant of Uncertain Significance.